The following is an entry in ClinVar:

NM_005732.4(RAD50):c.3271G>T (p.Glu1091Ter)

Gene: RAD50 (RAD50 double strand break repair protein; plus strand). Cytogenetic location: 5q31.1.
Variant type: single nucleotide variant.
Coding change: c.3271G>T on transcript NM_005732.4 (MANE Select); coding-DNA position 3271, G replaced by T.
Protein change: p.Glu1091Ter; replaces glutamic acid 1091 with a stop codon.
Molecular consequence: nonsense.
Genome position (GRCh38, 1-based): chr5:132,618,176, G>T. VCF-style: chr5-132618176-G-T. GRCh37 (hg19) VCF-style: chr5-131953868-G-T.
Other names: short protein forms E1091*.
Identifiers: ClinVar variation 1455813 (VCV001455813.6), dbSNP rs2149853889, ClinGen allele CA360964631.

ClinVar aggregate classification (germline): Pathogenic (1 of 4 stars; one submission).

Conditions:
Hereditary cancer-predisposing syndrome. Also called: Tumor predisposition; Neoplastic Syndromes, Hereditary; Hereditary Cancer Syndrome; Hereditary neoplastic syndrome. Identifiers: Orphanet 140162, MedGen C0027672, MeSH D009386, MONDO:0015356.

Submission:

Labcorp Genetics (formerly Invitae), Labcorp
Classification: Pathogenic for Hereditary cancer-predisposing syndrome. Last evaluated: 2021-10-25. Review status: criteria provided, single submitter. Criteria: Invitae Variant Classification Sherloc (09022015). Collection method: clinical testing. Allele origin: germline.
Comment: This sequence change creates a premature translational stop signal (p.Glu1091*) in the RAD50 gene. It is expected to result in an absent or disrupted protein product. Loss-of-function variants in RAD50 are known to be pathogenic (PMID: 19409520). This variant is not present in population databases (gnomAD no frequency). This variant has not been reported in the literature in individuals affected with RAD50-related conditions. For these reasons, this variant has been classified as Pathogenic.

Literature cited by the submitters: PubMed 19409520.